The following is an entry in ClinVar:

NM_004415.4(DSP):c.467T>A (p.Ile156Asn)

Gene: DSP (desmoplakin; plus strand). Cytogenetic location: 6p24.3.
Variant type: single nucleotide variant.
Coding change: c.467T>A on transcript NM_004415.4 (MANE Select); coding-DNA position 467, T replaced by A.
Protein change: p.Ile156Asn; replaces isoleucine 156 with asparagine.
Molecular consequence: missense variant.
Genome position (GRCh38, 1-based): chr6:7,559,270, T>A. VCF-style: chr6-7559270-T-A. GRCh37 (hg19) VCF-style: chr6-7559503-T-A.
Other names: c.467T>A, p.Ile156Asn (NM_001008844.3, NM_001319034.2); c.467T>A (NM_004415.3); short protein forms I156N.
Identifiers: ClinVar variation 919236 (VCV000919236.15), dbSNP rs767692014, ClinGen allele CA042494.
Genomic context (GRCh38, chr6:7,559,270, plus strand): 5'-GTTTTTTTCTTTGCAGGCTTCTTCAGCTCCAAGAGCAAATGCGAGCCCTTTATAAAGCCA[T>A]CAGTGTCCCTCGAGTCCGCAGGGCCAGCTCCAAGGGTGGTGGAGGCTACACTTGTCAGAG-3'
Protein context (NP_004406.2, residues 146-166): QEQMRALYKA[Ile156Asn]SVPRVRRASS

ClinVar aggregate classification (germline): Conflicting classifications of pathogenicity. Review status: criteria provided, conflicting classifications (1 of 4 stars). 6 submissions from 6 submitters: Uncertain significance (5); Benign (1). Last evaluated 2026-02-18.

Conditions:
Arrhythmogenic cardiomyopathy with wooly hair and keratoderma. Also called: PALMOPLANTAR KERATODERMA WITH LEFT VENTRICULAR CARDIOMYOPATHY AND WOOLLY HAIR; Carvajal syndrome; Dilated cardiomyopathy with woolly hair and keratoderma; Arrhythmogenic cardiomyopathy with woolly hair and keratoderma. Identifiers: Orphanet 65282, MedGen C1854063, MONDO:0011581, OMIM 605676.
Arrhythmogenic right ventricular dysplasia 8 (ARVD8). Also called: Arrhythmogenic Right Ventricular Dysplasia/Cardiomyopathy 8; ARRHYTHMOGENIC RIGHT VENTRICULAR CARDIOMYOPATHY 8; ARRHYTHMOGENIC RIGHT VENTRICULAR DYSPLASIA, FAMILIAL, 8. Identifiers: MedGen C1843896, MONDO:0011831, OMIM 607450.
Cardiovascular phenotype. Identifiers: MedGen CN230736.
DSP-related disorder. Also called: DSP-related condition; DSP-related disorders.
Cardiomyopathy (CMYO). Also called: Cardiomyopathies. Identifiers: Orphanet 167848, MedGen C0878544, MONDO:0004994, HP:0001638. Inheritance: Various modes of inheritance.

Allele frequency attached by ClinVar (database versions not stated): gnomAD exomes below 0.00001 and 0.00002; gnomAD 0.00001 and 0.00002; ExAC 0.00002; TOPMed 0.00003.
gnomAD v4.1: 6 of 1,613,872 alleles (0.00037%); highest among the groups gnomAD compares: African/African-American, 0.0067%; no homozygotes.

Submissions (6):

PreventionGenetics, part of Exact Sciences
Classification: Uncertain significance for DSP-related condition. Last evaluated: 2026-02-18. Review status: criteria provided, single submitter. Criteria: ACMG Guidelines, 2015. Collection method: clinical testing. Allele origin: germline.
Comment: The DSP c.467T>A variant is predicted to result in the amino acid substitution p.Ile156Asn. This variant was reported in an individual with dilated cardiomyopathy who also carried another variant in the TJP1 gene (c.1079A>T, p.D360V, De Bortoli et al. 2018. PubMed ID: 30354300). This variant is reported in 0.024% of alleles in individuals of African descent in gnomAD. At this time, the clinical significance of this variant is uncertain due to the absence of conclusive functional and genetic evidence.

Labcorp Genetics (formerly Invitae), Labcorp
Classification: Benign for Arrhythmogenic cardiomyopathy with wooly hair and keratoderma; Arrhythmogenic right ventricular dysplasia 8. Last evaluated: 2025-12-13. Review status: criteria provided, single submitter. Criteria: Invitae Variant Classification Sherloc (09022015). Collection method: clinical testing. Allele origin: germline.

GeneDx
Classification: Uncertain significance. Last evaluated: 2024-09-10. Review status: criteria provided, single submitter. Criteria: GeneDx Variant Classification Process June 2021. Collection method: clinical testing. Allele origin: germline. Affected: yes.
Comment: In silico analysis indicates that this missense variant does not alter protein structure/function; This variant is associated with the following publications: (PMID: 30354300)

All of Us Research Program, National Institutes of Health
Classification: Uncertain significance for Arrhythmogenic cardiomyopathy with wooly hair and keratoderma. Last evaluated: 2023-08-23. Review status: criteria provided, single submitter. Criteria: ACMG Guidelines, 2015. Collection method: clinical testing. Allele origin: germline. Inheritance: Autosomal dominant inheritance. Observed: 1 variant allele, 1 heterozygote.
Comment: This missense variant replaces isoleucine with asparagine at codon 156 of the DSP protein. Computational prediction is inconclusive regarding the impact of this variant on protein structure and function (internally defined REVEL score threshold 0.5 < inconclusive < 0.7, PMID: 27666373). To our knowledge, functional studies have not been reported for this variant. This variant has been reported in an individual affected with arrhythmogenic cardiomyopathy (PMID: 30354300). This variant has also been identified in 6/282532 chromosomes in the general population by the Genome Aggregation Database (gnomAD). The available evidence is insufficient to determine the role of this variant in disease conclusively. Therefore, this variant is classified as a Variant of Uncertain Significance.

This study involves interpretation of variants in research participants for the purpose of population health screening. Participant phenotype was not available at the time of variant classification. Additional details can be found in publication PMID: 35346344, PMCID: PMC8962531

Color Diagnostics, LLC DBA Color Health
Classification: Uncertain significance for Cardiomyopathy. Last evaluated: 2023-08-09. Review status: criteria provided, single submitter. Criteria: ACMG Guidelines, 2015. Collection method: clinical testing. Allele origin: germline.
Comment: This missense variant replaces isoleucine with asparagine at codon 156 of the DSP protein. Computational prediction is inconclusive regarding the impact of this variant on protein structure and function (internally defined REVEL score threshold 0.5 < inconclusive < 0.7, PMID: 27666373). To our knowledge, functional studies have not been reported for this variant. This variant has been reported in an individual affected with arrhythmogenic cardiomyopathy (PMID: 30354300). This variant has also been identified in 6/282532 chromosomes in the general population by the Genome Aggregation Database (gnomAD). The available evidence is insufficient to determine the role of this variant in disease conclusively. Therefore, this variant is classified as a Variant of Uncertain Significance.

Ambry Genetics
Classification: Uncertain significance for Cardiovascular phenotype. Last evaluated: 2023-03-03. Review status: criteria provided, single submitter. Criteria: Ambry Variant Classification Scheme 2023. Collection method: clinical testing. Allele origin: germline.
Comment: The p.I156N variant (also known as c.467T>A), located in coding exon 4 of the DSP gene, results from a T to A substitution at nucleotide position 467. The isoleucine at codon 156 is replaced by asparagine, an amino acid with dissimilar properties. This variant co-occurred with a variant in the TJP1 gene in a proband with dilated cardiomyopathy and ventricular tachycardia (De Bortoli M et al. Circ Genom Precis Med, 2018 10;11:e002123). This amino acid position is highly conserved in available vertebrate species. In addition, the in silico prediction for this alteration is inconclusive. Since supporting evidence is limited at this time, the clinical significance of this alteration remains unclear.

Literature cited by the submitters: PubMed 30354300 (cited by 3 submitters).